The following is an entry in ClinVar:

NM_001377.3(DYNC2H1):c.6478-289A>T

Gene: DYNC2H1 (dynein cytoplasmic 2 heavy chain 1; plus strand). Cytogenetic location: 11q22.3.
Variant type: single nucleotide variant.
Coding change: c.6478-289A>T on transcript NM_001377.3 (MANE Select); 289 bases into the intron before coding-DNA position 6478, A replaced by T.
Molecular consequence: intron variant.
Genome position (GRCh38, 1-based): chr11:103,184,607, A>T. VCF-style: chr11-103184607-A-T. GRCh37 (hg19) VCF-style: chr11-103055336-A-T.
Other names: c.6478-289A>T (NM_001080463.2).
Identifiers: ClinVar variation 672993 (VCV000672993.1), dbSNP rs12274424, ClinGen allele CA227404541.

ClinVar aggregate classification (germline): Benign (1 of 4 stars; one submission).

Allele frequency attached by ClinVar (database versions not stated): gnomAD 0.03820 and 0.04108; 1000 Genomes Project 0.04313; TOPMed 0.04351; 1000 Genomes Project 30x 0.04778.
gnomAD v4.1: 5,747 of 151,990 alleles (3.8%); highest among the groups gnomAD compares: African/African-American, 13%; 367 homozygotes.

Submission:

GeneDx
Classification: Benign. Last evaluated: 2018-06-14. Review status: criteria provided, single submitter. Criteria: GeneDx Variant Classification (06012015). Collection method: clinical testing. Allele origin: germline. Affected: yes.
Comment: This variant is considered likely benign or benign based on one or more of the following criteria: it is a conservative change, it occurs at a poorly conserved position in the protein, it is predicted to be benign by multiple in silico algorithms, and/or has population frequency not consistent with disease.